The following is an entry in ClinVar:

NM_006767.4(LZTR1):c.43del (p.Ala15fs)

Genes: LZTR1 (leucine zipper like post translational regulator 1; plus strand), LOC130067016 (ATAC-STARR-seq lymphoblastoid silent region 13504; plus strand). Cytogenetic location: 22q11.21.
Variant type: Deletion.
Coding change: c.43del on transcript NM_006767.4 (MANE Select); coding-DNA position 43, one base deleted (G; older notation c.43delG).
Protein change: p.Ala15fs; shifts the reading frame from alanine 15.
Molecular consequence: frameshift variant.
Genome position (GRCh38, 1-based): chr22:20,982,414, G deleted; the last of 2 consecutive G bases (chr22:20,982,413-20,982,414); deleting either gives the same sequence. VCF-style (leftmost placement, unchanged base first): chr22-20982412-CG-C. GRCh37 (hg19) VCF-style: chr22-21336701-CG-C.
Other names: short protein forms A15fs.
Identifiers: ClinVar variation 4101903 (VCV004101903.1).
Genomic context (GRCh38, chr22:20,982,412, plus strand): 5'-CGATCCGGCGTGGACCCGGGATGGCTGGACCGGGCAGCACGGGGGGGCAGATCGGGGCTG[CG>C]GCCCTGGCAGGCGGCGCGCGGTCCAAGGTAGCCCCGAGCGTGGACTTCGACCATAGCTGC-3'

ClinVar aggregate classification (germline): Pathogenic (1 of 4 stars; one submission).

Conditions:
Cardiovascular phenotype. Identifiers: MedGen CN230736.
Hereditary cancer-predisposing syndrome. Also called: Tumor predisposition; Neoplastic Syndromes, Hereditary; Hereditary neoplastic syndrome; Hereditary Cancer Syndrome. Identifiers: Orphanet 140162, MedGen C0027672, MeSH D009386, MONDO:0015356.

Submission:

Ambry Genetics
Classification: Pathogenic for Cardiovascular phenotype; Hereditary cancer-predisposing syndrome. Last evaluated: 2025-07-29. Review status: criteria provided, single submitter. Criteria: Ambry Variant Classification Scheme 2023. Collection method: clinical testing. Allele origin: germline.
Comment: The c.43delG pathogenic mutation, located in coding exon 1 of the LZTR1 gene, results from a deletion of one nucleotide at nucleotide position 43, causing a translational frameshift with a predicted alternate stop codon (p.A15Pfs*10). This variant is considered to be rare based on population cohorts in the Genome Aggregation Database (gnomAD). This alteration is expected to result in loss of function by premature protein truncation or nonsense-mediated mRNA decay. Loss-of-function variants in LZTR1 are related to an increased risk for schwannomas and autosomal recessive Noonan syndrome; however, such associations with autosomal dominant Noonan syndrome have not been observed (Piotrowski A et al. Nat Genet. 2014 Feb;46:182-7; Yamamoto GL et al. J Med Genet. 2015 Jun;52:413-21; Johnston JJ et al. Genet Med. 2018 10;20:1175-1185). Based on the supporting evidence, this variant is pathogenic for an increased risk of LZTR1-related schwannomatosis (SWN) and would be expected to cause autosomal recessive Noonan syndrome when present along with a second pathogenic or likely pathogenic variant on the other allele; however, the association of this alteration with autosomal dominant Noonan syndrome is unlikely.